The following is an entry in ClinVar:

ClinVar aggregate classification (germline): Uncertain significance (1 of 4 stars; one submission).

Allele frequency attached by ClinVar (database versions not stated): gnomAD exomes below 0.00001.
gnomAD v4.1: 2 of 1,614,084 alleles (0.00012%); highest among the groups gnomAD compares: Non-Finnish European, 0.00017%; no homozygotes.

Submission:

Labcorp Genetics (formerly Invitae), Labcorp
Classification: Uncertain significance. Last evaluated: 2023-06-04. Review status: criteria provided, single submitter. Criteria: Invitae Variant Classification Sherloc (09022015). Collection method: clinical testing. Allele origin: germline.
Comment: In summary, the available evidence is currently insufficient to determine the role of this variant in disease. Therefore, it has been classified as a Variant of Uncertain Significance. Advanced modeling of protein sequence and biophysical properties (such as structural, functional, and spatial information, amino acid conservation, physicochemical variation, residue mobility, and thermodynamic stability) performed at Invitae indicates that this missense variant is not expected to disrupt KANK1 protein function. This variant has not been reported in the literature in individuals affected with KANK1-related conditions. This variant is not present in population databases (gnomAD no frequency). This sequence change replaces serine, which is neutral and polar, with alanine, which is neutral and non-polar, at codon 746 of the KANK1 protein (p.Ser746Ala).

NM_015158.5(KANK1):c.2236T>G (p.Ser746Ala)

Gene: KANK1 (KN motif and ankyrin repeat domains 1; plus strand). Cytogenetic location: 9p24.3.
Variant type: single nucleotide variant.
Coding change: c.2236T>G on transcript NM_015158.5 (MANE Select); coding-DNA position 2236, T replaced by G.
Protein change: p.Ser746Ala; replaces serine 746 with alanine.
Molecular consequence: missense variant. On other transcripts: non-coding transcript variant (1).
Genome position (GRCh38, 1-based): chr9:713,002, T>G. VCF-style: chr9-713002-T-G. GRCh37 (hg19) VCF-style: chr9-713002-T-G.
Other names: c.2236T>G, p.Ser746Ala (NM_001256876.3, NM_001256877.3, NM_001354331.2 and 2 more transcripts); c.1762T>G, p.Ser588Ala (NM_001354333.2, NM_001354335.2, NM_001354336.2 and 9 more transcripts); short protein forms S746A, S588A.
Identifiers: ClinVar variation 2842307 (VCV002842307.3), dbSNP rs2539766999, ClinGen allele CA372749853.
Genomic context (GRCh38, chr9:713,002, plus strand): 5'-GACATCAACTCCTCCACCAAGACGCGGTCCATTGGTGTTGGAACGTTGCTTTCTGGCCAT[T>G]CTGGGTTTGACAGGCCATCAGCTGTGAAGACCAAAGAGTCAGGTGTGGGGCAGATAAATA-3'
Protein context (NP_055973.2, residues 736-756): IGVGTLLSGH[Ser746Ala]GFDRPSAVKT